The following is an entry in ClinVar:

ClinVar aggregate classification (germline): Pathogenic (1 of 4 stars; one submission).

Conditions:
Pulmonary fibrosis. Identifiers: MedGen C0034069, MONDO:0002771, HP:0002206.

Submission:

Garcia Pulmonary Genetics Research Laboratory, Columbia University Irving Medical Center
Classification: Pathogenic for Pulmonary fibrosis. Last evaluated: 2022-06-09. Review status: criteria provided, single submitter. Criteria: ACMG Guidelines, 2015. Collection method: research. Allele origin: germline. Affected: yes.
Comment: Pathogenic criteria: null variant (PVS1) with functional study supportive of damaging effect (PS3): leukocyte telomere length (by qPCR) less than 10th percentile age-adjusted

NM_001283009.2(RTEL1):c.699+1G>T

Genes: RTEL1 (regulator of telomere elongation helicase 1; plus strand), RTEL1-TNFRSF6B (RTEL1-TNFRSF6B readthrough (NMD candidate); plus strand). Cytogenetic location: 20q13.33.
Variant type: single nucleotide variant.
Coding change: c.699+1G>T on transcript NM_001283009.2 (MANE Select); the canonical splice donor site of the intron after coding-DNA position 699, G replaced by T.
Molecular consequence: splice donor variant.
Genome position (GRCh38, 1-based): chr20:63,667,554, G>T. VCF-style: chr20-63667554-G-T. GRCh37 (hg19) VCF-style: chr20-62298907-G-T.
Other names: c.30+1G>T (NM_001283010.1); c.771+1G>T (NM_032957.5); c.699+1G>T (NM_016434.4).
Identifiers: ClinVar variation 1695939 (VCV001695939.1), dbSNP rs2517017188, ClinGen allele CA409670833.
Genomic context (GRCh38, chr20:63,667,554, plus strand): 5'-AACCTGAAGCAGCAAGCCGACATCATATTCATGCCGTACAATTACTTGTTGGATGCCAAG[G>T]TGGGGGCTCAGTCCTGTAGCTGACGACTCCTGATGTCCAGGGGTGTCCCTGGGCTTGGGA-3'